The following is an entry in ClinVar:

ClinVar aggregate classification (germline): Likely benign (1 of 4 stars; one submission).

Allele frequency attached by ClinVar (database versions not stated): gnomAD exomes 0.00086; gnomAD 0.01045 and 0.01118; TOPMed 0.01176; 1000 Genomes Project 0.01218; 1000 Genomes Project 30x 0.01296.
gnomAD v4.1: 2,220 of 855,356 alleles (0.26%); highest among the groups gnomAD compares: African/African-American, 3.7%; 40 homozygotes.

Submission:

GeneDx
Classification: Likely benign. Last evaluated: 2018-06-14. Review status: criteria provided, single submitter. Criteria: GeneDx Variant Classification (06012015). Collection method: clinical testing. Allele origin: germline. Affected: yes.
Comment: This variant is considered likely benign or benign based on one or more of the following criteria: it is a conservative change, it occurs at a poorly conserved position in the protein, it is predicted to be benign by multiple in silico algorithms, and/or has population frequency not consistent with disease.

NM_000642.3(AGL):c.3701-65A>C

Gene: AGL (amylo-alpha-1,6-glucosidase and 4-alpha-glucanotransferase; plus strand). Cytogenetic location: 1p21.2.
Variant type: single nucleotide variant.
Coding change: c.3701-65A>C on transcript NM_000642.3 (MANE Select); 65 bases into the intron before coding-DNA position 3701, A replaced by C.
Molecular consequence: intron variant.
Genome position (GRCh38, 1-based): chr1:99,910,647, A>C. VCF-style: chr1-99910647-A-C. GRCh37 (hg19) VCF-style: chr1-100376203-A-C.
Other names: c.3701-65A>C (NM_000643.3, NM_000644.3, NM_001425325.1 and 1 more transcripts); c.3653-65A>C (NM_000646.3); c.3680-65A>C (NM_001425326.1); c.3500-65A>C (NM_001425327.1); c.3497-65A>C (NM_001425328.1); c.3362-65A>C (NM_001425329.1); c.3323-65A>C (NM_001425332.1).
Identifiers: ClinVar variation 677062 (VCV000677062.1), dbSNP rs72970917, ClinGen allele CA27553329.